The following is an entry in ClinVar:

ClinVar aggregate classification (germline): Uncertain significance (1 of 4 stars; one submission).

gnomAD v4.1: 17 of 1,613,862 alleles (0.0011%); highest among the groups gnomAD compares: South Asian, 0.015%; no homozygotes.

Submission:

Women's Health and Genetics/Laboratory Corporation of America, LabCorp
Classification: Uncertain significance. Last evaluated: 2024-12-03. Review status: criteria provided, single submitter. Criteria: LabCorp Variant Classification Summary - May 2015. Collection method: clinical testing. Allele origin: germline.
Comment: Variant summary: ANKRD17 c.6989G>T (p.Gly2330Val) results in a non-conservative amino acid change in the encoded protein sequence. Three of five in-silico tools predict a damaging effect of the variant on protein function. The variant allele was found at a frequency of 1.1e-05 in 1606870 control chromosomes, predominantly at a frequency of 0.00015 within the South Asian subpopulation in the gnomAD database (v4.1 dataset). The occurrence in several carriers suggests that the variant is not causal for a dominant, high penetrance, early onset disease phenotype. To our knowledge, no occurrence of c.6989G>T in individuals affected with Chopra-Amiel Syndrome and no experimental evidence demonstrating its impact on protein function have been reported. No submitters have cited clinical-significance assessments for this variant to ClinVar. Based on the evidence outlined above, the variant was classified as VUS-possibly benign.

NM_032217.5(ANKRD17):c.6989G>T (p.Gly2330Val)

Gene: ANKRD17 (ankyrin repeat domain 17; minus strand). Cytogenetic location: 4q13.3.
Variant type: single nucleotide variant.
Coding change: c.6989G>T on transcript NM_032217.5 (MANE Select); coding-DNA position 6989, G replaced by T.
Protein change: p.Gly2330Val; replaces glycine 2330 with valine.
Molecular consequence: missense variant.
Genome position (GRCh38, 1-based): chr4:73,085,419, C>A on the plus strand (G>T on the coding strand, the complement: ANKRD17 is on the minus strand). VCF-style: chr4-73085419-C-A. GRCh37 (hg19) VCF-style: chr4-73951136-C-A.
Other names: c.6650G>T, p.Gly2217Val (NM_001286771.3); c.6986G>T, p.Gly2329Val (NM_015574.2); c.6236G>T, p.Gly2079Val (NM_198889.3); short protein forms G2079V, G2217V, G2329V, G2330V.
Identifiers: ClinVar variation 3768308 (VCV003768308.1).